The following is an entry in ClinVar:

ClinVar aggregate classification (germline): Uncertain significance (1 of 4 stars; one submission).

Conditions:
Atrial fibrillation, familial, 12 (ATFB12). Identifiers: MedGen C3279695, MONDO:0013545, OMIM 614050.
Dilated cardiomyopathy 1O (CMD1O). Also called: CARDIOMYOPATHY, DILATED, WITH VENTRICULAR TACHYCARDIA. Identifiers: Orphanet 154, MedGen C1837839, MONDO:0012062, OMIM 608569.

Allele frequency attached by ClinVar (database versions not stated): gnomAD exomes below 0.00001.

Submission:

MVZ Medizinische Genetik Mainz
Classification: Uncertain significance for Atrial fibrillation, familial, 12; Dilated cardiomyopathy 1O. Last evaluated: 2023-06-23. Review status: criteria provided, single submitter. Criteria: UK Practice Guidelines For Variant Classification V4 01 2020. Collection method: clinical testing. Allele origin: germline. Inheritance: Autosomal dominant inheritance. Affected: yes. Observed: 1 variant allele.
Comment: PVS1_MOD,PM2_SUP

NM_020297.4(ABCC9):c.3492_3493del (p.Asp1164fs)

Gene: ABCC9 (ATP binding cassette subfamily C member 9; minus strand). Cytogenetic location: 12p12.1.
Variant type: Deletion.
Coding change: c.3492_3493del on transcript NM_020297.4 (MANE Select); coding-DNA positions 3492 to 3493, 2 bases deleted (CG; older notation c.3492_3493delCG).
Protein change: p.Asp1164fs; shifts the reading frame from aspartic acid 1164.
Molecular consequence: frameshift variant.
Genome position (GRCh38, 1-based): chr12:21,838,151-21,838,152, CG deleted on the plus strand (CG on the coding strand, the reverse complement: ABCC9 is on the minus strand). VCF-style (leftmost placement, unchanged base first): chr12-21838150-TCG-T. GRCh37 (hg19) VCF-style: chr12-21991084-TCG-T.
Other names: c.3492_3493del, p.Asp1164fs (NM_001377273.1, NM_005691.4); c.2625_2626del, p.Asp875fs (NM_001377274.1); short protein forms D1164fs, D875fs.
Identifiers: ClinVar variation 3061859 (VCV003061859.1), dbSNP rs2541026200, ClinGen allele CA2617931485.